The following is an entry in ClinVar:

NM_005401.5(PTPN14):c.1754A>C (p.His585Pro)

Gene: PTPN14 (protein tyrosine phosphatase non-receptor type 14; minus strand). Cytogenetic location: 1q32.3.
Variant type: single nucleotide variant.
Coding change: c.1754A>C on transcript NM_005401.5 (MANE Select); coding-DNA position 1754, A replaced by C.
Protein change: p.His585Pro; replaces histidine 585 with proline.
Molecular consequence: missense variant.
Genome position (GRCh38, 1-based): chr1:214,384,101, T>G on the plus strand (A>C on the coding strand, the complement: PTPN14 is on the minus strand). VCF-style: chr1-214384101-T-G. GRCh37 (hg19) VCF-style: chr1-214557444-T-G.
Other names: short protein forms H585P.
Identifiers: ClinVar variation 3600437 (VCV003600437.1).

ClinVar aggregate classification (germline): Uncertain significance (1 of 4 stars; one submission).

Conditions:
Lymphedema-posterior choanal atresia syndrome. Identifiers: Orphanet 99141, MedGen C3150875, MONDO:0013324, OMIM 613611.

gnomAD v4.1: 47 of 1,571,116 alleles (0.003%); highest among the groups gnomAD compares: Non-Finnish European, 0.0036%; no homozygotes.

Submission:

Clinical Genomics Laboratory, Washington University in St. Louis
Classification: Uncertain significance for Lymphedema-posterior choanal atresia syndrome. Last evaluated: 2024-10-16. Review status: criteria provided, single submitter. Criteria: ACMG Guidelines, 2015. Collection method: clinical testing. Allele origin: germline.
Comment: A PTPN14 c.1754A>C (p.His585Pro) variant was identified at a near heterozygous allelic fraction of 48.78%, a frequency that may be consistent with germline origin. This variant, to our knowledge, has not been reported in the medical literature. This variant has been observed on 47/1,571,116 alleles in the general population (gnomAD v.4.1.0) and computational predictors are uncertain as to the impact of this variant on PTPN14 function. Due to limited information and based on ACMG/AMP guidelines for variant interpretation (Richards S et al., PMID: 25741868), the clinical significance of this variant is uncertain at this time.